The following is an entry in ClinVar:

ClinVar aggregate classification (germline): Uncertain significance (1 of 4 stars; one submission).

Submission:

Labcorp Genetics (formerly Invitae), Labcorp
Classification: Uncertain significance. Last evaluated: 2022-05-09. Review status: criteria provided, single submitter. Criteria: Invitae Variant Classification Sherloc (09022015). Collection method: clinical testing. Allele origin: germline.
Comment: A gross deletion of the genomic region encompassing the full coding sequence of the NSMCE3 gene has been identified. The current clinical and genetic evidence is not sufficient to establish whether loss-of-function variants in NSMCE3 cause disease. The boundaries of this event are unknown as they extend beyond the assayed region for this gene and therefore may encompass additional genes. This variant has not been reported in the literature in individuals affected with NSMCE3-related conditions. In summary, the available evidence is currently insufficient to determine the role of this variant in disease. Therefore, it has been classified as a Variant of Uncertain Significance.

NC_000015.9:g.(?_29560995)_(29561909_?)del

Genes: ENTREP2 (endosomal transmembrane epsin interactor 2; minus strand), NSMCE3 (NSE3 homolog, SMC5-SMC6 complex component; minus strand). Cytogenetic location: 15q13.1.
Variant type: Deletion.
Identifiers: ClinVar variation 2427265 (VCV002427265.3).